The following is an entry in ClinVar:

ClinVar aggregate classification (germline): Uncertain significance (1 of 4 stars; one submission).

Submission:

Labcorp Genetics (formerly Invitae), Labcorp
Classification: Uncertain significance. Last evaluated: 2019-12-27. Review status: criteria provided, single submitter. Criteria: Invitae Variant Classification Sherloc (09022015). Collection method: clinical testing. Allele origin: germline.
Comment: This variant is not present in population databases (ExAC no frequency). Algorithms developed to predict the effect of missense changes on protein structure and function are either unavailable or do not agree on the potential impact of this missense change (SIFT: "Tolerated"; PolyPhen-2: "Possibly Damaging"; Align-GVGD: "Class C0"). This sequence change replaces tryptophan with cysteine at codon 202 of the FSCN2 protein (p.Trp202Cys). The tryptophan residue is moderately conserved and there is a large physicochemical difference between tryptophan and cysteine. This variant has not been reported in the literature in individuals with FSCN2-related conditions. In summary, the available evidence is currently insufficient to determine the role of this variant in disease. Therefore, it has been classified as a Variant of Uncertain Significance.

NM_012418.4(FSCN2):c.606G>C (p.Trp202Cys)

Gene: FSCN2 (fascin actin-bundling protein 2, retinal; plus strand). Cytogenetic location: 17q25.3.
Variant type: single nucleotide variant.
Coding change: c.606G>C on transcript NM_012418.4 (MANE Select); coding-DNA position 606, G replaced by C.
Protein change: p.Trp202Cys; replaces tryptophan 202 with cysteine.
Molecular consequence: missense variant.
Genome position (GRCh38, 1-based): chr17:81,529,137, G>C. VCF-style: chr17-81529137-G-C. GRCh37 (hg19) VCF-style: chr17-79496163-G-C.
Other names: c.606G>C, p.Trp202Cys (NM_001077182.3); short protein forms W202C.
Identifiers: ClinVar variation 850723 (VCV000850723.10), dbSNP rs1555670774, ClinGen allele CA401471959.